The following is an entry in ClinVar:

NM_000419.5(ITGA2B):c.855dup (p.Val286fs)

Gene: ITGA2B (integrin subunit alpha 2b; minus strand). Cytogenetic location: 17q21.31.
Variant type: Duplication.
Coding change: c.855dup on transcript NM_000419.5 (MANE Select); coding-DNA position 855, one base duplicated (C; older notation c.855dupC).
Protein change: p.Val286fs; shifts the reading frame from valine 286.
Molecular consequence: frameshift variant.
Genome position (GRCh38, 1-based): chr17:44,384,347, G duplicated on the plus strand (C on the coding strand, the reverse complement: ITGA2B is on the minus strand). VCF-style (leftmost placement, unchanged base first): chr17-44384346-C-CG. GRCh37 (hg19) VCF-style: chr17-42461714-C-CG.
Other names: NM_000419.5:c.855dup; short protein forms V286fs.
Identifiers: ClinVar variation 1879053 (VCV001879053.1), dbSNP rs2510083090, ClinGen allele CA915940766.

ClinVar aggregate classification (germline): Pathogenic (3 of 4 stars; one submission).

Conditions:
Glanzmann thrombasthenia. Also called: PLATELET GLYCOPROTEIN IIb-IIIa DEFICIENCY; BLEEDING DISORDER, PLATELET-TYPE, 2; THROMBASTHENIA OF GLANZMANN AND NAEGELI; Thrombasthenia; Glanzmann's thrombasthenia. Identifiers: Orphanet 849, MedGen C0040015, MONDO:0100326.

Submission:

ClinGen Platelet Disorders Variant Curation Expert Panel, ClinGen
Classification: Pathogenic for Glanzmann thrombasthenia. Last evaluated: 2022-04-07. Review status: reviewed by expert panel. Criteria: ClinGen Platelet ACMG Specifications v2-1. Collection method: curation. Allele origin: germline. Inheritance: Autosomal recessive inheritance.
Comment: The NM_000419.5(ITGA2B):c.855dup (p.Val286ArgfsTer43) frameshift variant creates a premature stop codon in biologically-relevant-exon 11/30 and is predicted to lead to nonsense mediated decay in a gene in which loss-of-function is an established disease mechanism (PVS1). At least one patient (Patient FF in PMID:12083483) with this variant displayed mucocutaneous bleeding and impaired aggregation with all agonists except ristocetin, which is highly specific for Glanzmann thrombasthenia. Additionally, αIIbβ3 surface expression was reduced to 2.9-4.9% of normal, as measured by flow cytometry. ITGA2B and ITGB3 were sequenced across all exons and intron/exon boundaries (PP4_strong). This variant is absent from gnomAD v2.1.1 (PM2_Supporting). In summary, this variant meets the criteria to be classified as Pathogenic for autosomal recessive Glanzmann Thrombasthenia based on the ACMG/AMP criteria applied, as specified by the ClinGen PD VCEP: PVS1, PP4_strong, PM2_supporting. (VCEP specifications version 2; date of approval 01/18/2022)